The following is an entry in ClinVar:

ClinVar aggregate classification (germline): Uncertain significance (1 of 4 stars; one submission).

Conditions:
Neurodevelopmental disorder. Identifiers: MedGen C1535926, MeSH D065886, MONDO:0700092.

Allele frequency attached by ClinVar (database versions not stated): gnomAD exomes below 0.00001 and 0.00002; ExAC 0.00001; gnomAD 0.00001.
gnomAD v4.1: 27 of 1,613,862 alleles (0.0017%); highest among the groups gnomAD compares: Non-Finnish European, 0.0021%; no homozygotes.

Submission:

Victorian Clinical Genetics Services, Murdoch Childrens Research Institute
Classification: Uncertain significance for Neurodevelopmental disorder. Last evaluated: 2022-03-31. Review status: criteria provided, single submitter. Criteria: ACMG Guidelines, 2015. Collection method: clinical testing. Allele origin: germline. Inheritance: Autosomal dominant inheritance. Affected: yes.
Comment: Based on the classification scheme VCGS_Germline_v1.3.4, this variant is classified as VUS-3B. Following criteria are met: 0102 - Loss of function is a known mechanism of disease in this gene and is associated with neurodevelopmental disorder, CHD5-related (MONDO#0700092). (I) 0107 - This gene is associated with autosomal dominant disease. (I) 0112 - The condition associated with this gene has incomplete penetrance, with a single family reported (PMID: 33944996). (I) 0115 - Variants in this gene are known to have variable expressivity. Intra-familial variability has been reported (PMID: 33944996). (I) 0200 - Variant is predicted to result in a missense amino acid change from asparagine to aspartic acid. (I) 0251 - This variant is heterozygous. (I) 0302 - Variant is present in gnomAD <0.001 for a dominant condition (v2, v3: 1 heterozygote, 0 homozygotes). (SP) 0309 - An alternative amino acid change at the same position has been observed in gnomAD (v3: 2 heterozygotes, 0 homozygotes). (I) 0501 - Missense variant consistently predicted to be damaging by multiple in silico tools or highly conserved with a major amino acid change. (SP) 0600 - Variant is located in the annotated CHDCT2 domain (DECIPHER). (I) 0705 - No comparable missense variants have previous evidence for pathogenicity. (I) 0807 - This variant has no previous evidence of pathogenicity. (I) 0905 - No published segregation evidence has been identified for this variant. (I) 1007 - No published functional evidence has been identified for this variant. (I) 1208 - Inheritance information for this variant is not currently available in this individual. (I) Legend: (SP) - Supporting pathogenic, (I) - Information, (SB) - Supporting benign

Literature cited by the submitters: PubMed 33944996.

NM_015557.3(CHD5):c.5305A>G (p.Asn1769Asp)

Gene: CHD5 (chromodomain helicase DNA binding protein 5; minus strand). Cytogenetic location: 1p36.31.
Variant type: single nucleotide variant.
Coding change: c.5305A>G on transcript NM_015557.3 (MANE Select); coding-DNA position 5305, A replaced by G.
Protein change: p.Asn1769Asp; replaces asparagine 1769 with aspartic acid.
Molecular consequence: missense variant.
Genome position (GRCh38, 1-based): chr1:6,110,471, T>C on the plus strand (A>G on the coding strand, the complement: CHD5 is on the minus strand). VCF-style: chr1-6110471-T-C. GRCh37 (hg19) VCF-style: chr1-6170531-T-C.
Other names: short protein forms N1769D.
Identifiers: ClinVar variation 1699042 (VCV001699042.3), dbSNP rs754161216, ClinGen allele CA555833.